The following is an entry in ClinVar:

ClinVar aggregate classification (germline): Uncertain significance (1 of 4 stars; one submission).

Conditions:
LRRC45-related disorder. Also called: LRRC45-related condition.

Submission:

PreventionGenetics, part of Exact Sciences
Classification: Uncertain significance for LRRC45-related condition. Last evaluated: 2024-12-04. Review status: criteria provided, single submitter. Criteria: ACMG Guidelines, 2015. Collection method: clinical testing. Allele origin: germline.
Comment: The LRRC45 c.1069A>C variant is predicted to result in the amino acid substitution p.Lys357Gln. To our knowledge, this variant has not been reported in the literature. This variant is reported in 0.0036% of alleles in individuals of Latino descent in gnomAD. At this time, the clinical significance of this variant is uncertain due to the absence of conclusive functional and genetic evidence.

NM_144999.4(LRRC45):c.1069A>C (p.Lys357Gln)

Gene: LRRC45 (leucine rich repeat containing 45; plus strand). Cytogenetic location: 17q25.3.
Variant type: single nucleotide variant.
Coding change: c.1069A>C on transcript NM_144999.4 (MANE Select); coding-DNA position 1069, A replaced by C.
Protein change: p.Lys357Gln; replaces lysine 357 with glutamine.
Molecular consequence: missense variant.
Genome position (GRCh38, 1-based): chr17:82,028,255, A>C. VCF-style: chr17-82028255-A-C. GRCh37 (hg19) VCF-style: chr17-79986131-A-C.
Other names: short protein forms K357Q.
Identifiers: ClinVar variation 4988344 (VCV004988344.1).